The following is an entry in ClinVar:

ClinVar aggregate classification (germline): Uncertain significance. Review status: criteria provided, multiple submitters, no conflicts (2 of 4 stars). 2 submissions from 2 submitters: Uncertain significance (2). Last evaluated 2023-10-29.

gnomAD v4.1: 1 of 1,427,550 alleles (0.00007%); highest among the groups gnomAD compares: Non-Finnish European, 0.000092%; no homozygotes.

Submissions (2):

Labcorp Genetics (formerly Invitae), Labcorp
Classification: Uncertain significance. Last evaluated: 2023-10-29. Review status: criteria provided, single submitter. Criteria: Invitae Variant Classification Sherloc (09022015). Collection method: clinical testing. Allele origin: germline.
Comment: This sequence change falls in intron 4 of the COL11A1 gene. It does not directly change the encoded amino acid sequence of the COL11A1 protein. It affects a nucleotide within the consensus splice site. This variant is not present in population databases (gnomAD no frequency). This variant has not been reported in the literature in individuals affected with COL11A1-related conditions. Variants that disrupt the consensus splice site are a relatively common cause of aberrant splicing (PMID: 17576681, 9536098). Algorithms developed to predict the effect of sequence changes on RNA splicing suggest that this variant may disrupt the consensus splice site. In summary, the available evidence is currently insufficient to determine the role of this variant in disease. Therefore, it has been classified as a Variant of Uncertain Significance.

Blueprint Genetics
Classification: Uncertain significance. Last evaluated: 2022-01-26. Review status: criteria provided, single submitter. Criteria: ACMG Guidelines, 2015. Collection method: clinical testing. Allele origin: germline.

Literature cited by the submitters: PubMed 17576681 (cited by Labcorp Genetics (formerly Invitae), Labcorp); PubMed 9536098 (cited by Labcorp Genetics (formerly Invitae), Labcorp).

NM_001854.4(COL11A1):c.652-3C>G

Gene: COL11A1 (collagen type XI alpha 1 chain; minus strand). Cytogenetic location: 1p21.1.
Variant type: single nucleotide variant.
Coding change: c.652-3C>G on transcript NM_001854.4 (MANE Select); 3 bases into the intron before coding-DNA position 652, C replaced by G.
Molecular consequence: intron variant.
Genome position (GRCh38, 1-based): chr1:103,031,247, G>C on the plus strand (C>G on the coding strand, the complement: COL11A1 is on the minus strand). VCF-style: chr1-103031247-G-C. GRCh37 (hg19) VCF-style: chr1-103496803-G-C.
Other names: c.652-3C>G (NM_001190709.2, NM_080629.3, NM_080630.4).
Identifiers: ClinVar variation 2772705 (VCV002772705.4), dbSNP rs371041043, ClinGen allele CA2574450458.